The following is an entry in ClinVar:

ClinVar aggregate classification (germline): Conflicting classifications of pathogenicity. Review status: criteria provided, conflicting classifications (1 of 4 stars). 2 submissions from 2 submitters: Uncertain significance (1); Likely benign (1). Last evaluated 2025-08-14.

Conditions:
Dilated cardiomyopathy 1G (CMD1G). Identifiers: Orphanet 154, MedGen C1858763, MONDO:0011400, OMIM 604145.
Autosomal recessive limb-girdle muscular dystrophy type 2J (LGMDR10). Also called: MUSCULAR DYSTROPHY, LIMB-GIRDLE, AUTOSOMAL RECESSIVE 10; Limb-girdle muscular dystrophy, type 2J. Identifiers: Orphanet 140922, MedGen C1837342, MONDO:0012127, OMIM 608807.

Allele frequency attached by ClinVar (database versions not stated): gnomAD exomes below 0.00001; TOPMed below 0.00001; ExAC 0.00001; gnomAD 0.00002.
gnomAD v4.1: 5 of 1,613,758 alleles (0.00031%); highest among the groups gnomAD compares: African/African-American, 0.0067%; no homozygotes.

Submissions (2):

Labcorp Genetics (formerly Invitae), Labcorp
Classification: Uncertain significance for Dilated cardiomyopathy 1G; Autosomal recessive limb-girdle muscular dystrophy type 2J. Last evaluated: 2025-08-14. Review status: criteria provided, single submitter. Criteria: Invitae Variant Classification Sherloc (09022015). Collection method: clinical testing. Allele origin: germline.
Comment: This sequence change replaces phenylalanine, which is neutral and non-polar, with serine, which is neutral and polar, at codon 34309 of the TTN protein (p.Phe34309Ser). This variant is present in population databases (rs776393529, gnomAD 0.01%). This variant has not been reported in the literature in individuals affected with TTN-related conditions. ClinVar contains an entry for this variant (Variation ID: 2038003). Experimental studies and prediction algorithms are not available or were not evaluated, and the functional significance of this variant is currently unknown. This variant is located in the M band of TTN (PMID: 25589632). Non-truncating variants in this region may be relevant for neuromuscular disorders, but have not been definitively shown to cause cardiomyopathy (PMID: 23975875). In summary, the available evidence is currently insufficient to determine the role of this variant in disease. Therefore, it has been classified as a Variant of Uncertain Significance.

Molecular Diagnostic Laboratory for Inherited Cardiovascular Disease, Montreal Heart Institute
Classification: Likely benign. Last evaluated: 2025-04-09. Review status: criteria provided, single submitter. Criteria: ACMG Guidelines, 2015. Collection method: clinical testing. Allele origin: germline. Affected: no.
Comment: BP1

Literature cited by the submitters: PubMed 25589632 (cited by Labcorp Genetics (formerly Invitae), Labcorp); PubMed 23975875 (cited by Labcorp Genetics (formerly Invitae), Labcorp).

NM_001267550.2(TTN):c.102926T>C (p.Phe34309Ser)

Genes: TTN (titin; minus strand), TTN-AS1 (TTN antisense RNA 1; plus strand). Cytogenetic location: 2q31.2.
Variant type: single nucleotide variant.
Coding change: c.102926T>C on transcript NM_001267550.2 (MANE Select); coding-DNA position 102926, T replaced by C.
Protein change: p.Phe34309Ser; replaces phenylalanine 34309 with serine.
Molecular consequence: missense variant.
Genome position (GRCh38, 1-based): chr2:178,533,689, A>G on the plus strand (T>C on the coding strand, the complement: TTN is on the minus strand). VCF-style: chr2-178533689-A-G. GRCh37 (hg19) VCF-style: chr2-179398416-A-G.
Other names: c.98003T>C, p.Phe32668Ser (NM_001256850.1); c.75731T>C, p.Phe25244Ser (NM_003319.4); c.95222T>C, p.Phe31741Ser (NM_133378.4); c.76106T>C, p.Phe25369Ser (NM_133432.3); c.76307T>C, p.Phe25436Ser (NM_133437.4); short protein forms F25244S, F25369S, F25436S, F31741S, F32668S, F34309S.
Identifiers: ClinVar variation 2038003 (VCV002038003.5), dbSNP rs776393529, ClinGen allele CA1985684.